The following is an entry in ClinVar:

NM_006662.3(SRCAP):c.5868C>G (p.His1956Gln)

Gene: SRCAP (Snf2 related CREBBP activator protein; plus strand). Cytogenetic location: 16p11.2.
Variant type: single nucleotide variant.
Coding change: c.5868C>G on transcript NM_006662.3 (MANE Select); coding-DNA position 5868, C replaced by G.
Protein change: p.His1956Gln; replaces histidine 1956 with glutamine.
Molecular consequence: missense variant.
Genome position (GRCh38, 1-based): chr16:30,729,175, C>G. VCF-style: chr16-30729175-C-G. GRCh37 (hg19) VCF-style: chr16-30740496-C-G.
Other names: short protein forms H1956Q.
Identifiers: ClinVar variation 4812313 (VCV004812313.1).

ClinVar aggregate classification (germline): Uncertain significance (1 of 4 stars; one submission).

gnomAD v4.1: 82 of 1,613,750 alleles (0.0051%); highest among the groups gnomAD compares: Non-Finnish European, 0.0066%; no homozygotes.

Submission:

Labcorp Genetics (formerly Invitae), Labcorp
Classification: Uncertain significance. Last evaluated: 2026-01-12. Review status: criteria provided, single submitter. Criteria: Invitae Variant Classification Sherloc (09022015). Collection method: clinical testing. Allele origin: germline.
Comment: This sequence change replaces histidine, which is basic and polar, with glutamine, which is neutral and polar, at codon 1956 of the SRCAP protein (p.His1956Gln). This variant is present in population databases (rs533678382, gnomAD 0.004%). This variant has not been reported in the literature in individuals affected with SRCAP-related conditions. Invitae Evidence Modeling of protein sequence and biophysical properties (such as structural, functional, and spatial information, amino acid conservation, physicochemical variation, residue mobility, and thermodynamic stability) indicates that this missense variant is not expected to disrupt SRCAP protein function with a negative predictive value of 80%. In summary, the available evidence is currently insufficient to determine the role of this variant in disease. Therefore, it has been classified as a Variant of Uncertain Significance.